The following is an entry in ClinVar:

NM_000104.4(CYP1B1):c.717C>A (p.Ser239Arg)

Gene: CYP1B1 (cytochrome P450 family 1 subfamily B member 1; minus strand). Cytogenetic location: 2p22.2.
Variant type: single nucleotide variant.
Coding change: c.717C>A on transcript NM_000104.4 (MANE Select); coding-DNA position 717, C replaced by A.
Protein change: p.Ser239Arg; replaces serine 239 with arginine.
Molecular consequence: missense variant.
Genome position (GRCh38, 1-based): chr2:38,074,672, G>T on the plus strand (C>A on the coding strand, the complement: CYP1B1 is on the minus strand). VCF-style: chr2-38074672-G-T. GRCh37 (hg19) VCF-style: chr2-38301815-G-T.
Other names: short protein forms S239R.
Identifiers: ClinVar variation 1805500 (VCV001805500.1), dbSNP rs2465883561, ClinGen allele CA346328659.

ClinVar aggregate classification (germline): Likely pathogenic (1 of 4 stars; one submission).

Conditions:
Anterior segment dysgenesis. Also called: Ocular anterior segment dysgenesis. Identifiers: Orphanet 88632, MedGen C1862839, MONDO:0019503, HP:0007700.

Submission:

Victorian Clinical Genetics Services, Murdoch Childrens Research Institute
Classification: Likely pathogenic for Anterior segment dysgenesis. Last evaluated: 2020-06-11. Review status: criteria provided, single submitter. Criteria: ACMG Guidelines, 2015. Collection method: clinical testing. Allele origin: germline. Inheritance: Autosomal recessive inheritance. Affected: yes.
Comment: Based on the classification scheme VCGS_Germline_v1.1.1, this variant is classified as likely pathogenic. Following criteria are met: 0102 - Loss-of-function is a known mechanism of disease for this gene. (N) 0106 - This gene is known to be associated with autosomal recessive disease. (N) 0112 - Variants in this gene are known to have reduced penetrance (PMID: 26550445, PMID: 10655546). (N) 0200 - Variant is predicted to result in a missense amino acid change from serine to arginine (exon 2). (N) 0251 - Variant is heterozygous. (N) 0301 - Variant is absent from gnomAD. (P) 0501 - Missense variant consistently predicted to be damaging by multiple in silico tools or highly conserved with a major amino acid change. (P) 0600 - Variant is located in an annotated domain or motif, (SRS2/F' helix region of the p450 cytochrome domain; NCBI, PMID: 18622259). (N) 0705 - No comparable variants have previous evidence for pathogenicity. (N) 0803 - Low previous evidence of pathogenicity in two unrelated homozygous individuals (PMID: 15475877). (P) 0905 - No segregation evidence has been identified for this variant. (N) 1002 - Moderate functional evidence supporting abnormal protein function, where protein modelling has predicted an impact on substrate binding (PMID: 19179758). (N) 1208 - Inheritance information for this variant is not currently available. (N) Legend: (P) - Pathogenic, (N) - Neutral, (B) - Benign

Literature cited by the submitters: PubMed 10655546; PubMed 15475877; PubMed 18622259; PubMed 19179758; PubMed 19643970; PubMed 26550445.